The following is an entry in ClinVar:

ClinVar aggregate classification (germline): Uncertain significance (1 of 4 stars; one submission).

Submission:

Labcorp Genetics (formerly Invitae), Labcorp
Classification: Uncertain significance. Last evaluated: 2025-06-27. Review status: criteria provided, single submitter. Criteria: Invitae Variant Classification Sherloc (09022015). Collection method: clinical testing. Allele origin: germline.
Comment: This sequence change replaces leucine, which is neutral and non-polar, with serine, which is neutral and polar, at codon 395 of the CLCN7 protein (p.Leu395Ser). This variant is present in population databases (no rsID available, gnomAD 0.003%). This variant has not been reported in the literature in individuals affected with CLCN7-related conditions. Invitae Evidence Modeling of protein sequence and biophysical properties (such as structural, functional, and spatial information, amino acid conservation, physicochemical variation, residue mobility, and thermodynamic stability) indicates that this missense variant is expected to disrupt CLCN7 protein function with a positive predictive value of 95%. In summary, the available evidence is currently insufficient to determine the role of this variant in disease. Therefore, it has been classified as a Variant of Uncertain Significance.

NM_001287.6(CLCN7):c.1184T>C (p.Leu395Ser)

Gene: CLCN7 (Cl-/H+ antiporter 7; minus strand). Cytogenetic location: 16p13.3.
Variant type: single nucleotide variant.
Coding change: c.1184T>C on transcript NM_001287.6 (MANE Select); coding-DNA position 1184, T replaced by C.
Protein change: p.Leu395Ser; replaces leucine 395 with serine.
Molecular consequence: missense variant.
Genome position (GRCh38, 1-based): chr16:1,453,864, A>G on the plus strand (T>C on the coding strand, the complement: CLCN7 is on the minus strand). VCF-style: chr16-1453864-A-G. GRCh37 (hg19) VCF-style: chr16-1503865-A-G.
Other names: c.1112T>C, p.Leu371Ser (NM_001114331.3); short protein forms L371S, L395S.
Identifiers: ClinVar variation 4798235 (VCV004798235.1).